The following is an entry in ClinVar:

NM_007186.6(CEP250):c.3637G>A (p.Val1213Ile)

Gene: CEP250 (centrosomal protein 250; plus strand). Cytogenetic location: 20q11.22.
Variant type: single nucleotide variant.
Coding change: c.3637G>A on transcript NM_007186.6 (MANE Select); coding-DNA position 3637, G replaced by A.
Protein change: p.Val1213Ile; replaces valine 1213 with isoleucine.
Molecular consequence: missense variant.
Genome position (GRCh38, 1-based): chr20:35,498,049, G>A. VCF-style: chr20-35498049-G-A. GRCh37 (hg19) VCF-style: chr20-34085878-G-A.
Other names: c.1741G>A, p.Val581Ile (NM_001318219.1); short protein forms V1213I, V581I.
Identifiers: ClinVar variation 1447629 (VCV001447629.5), dbSNP rs781181484, ClinGen allele CA9833512.

ClinVar aggregate classification (germline): Uncertain significance (1 of 4 stars; one submission).

Allele frequency attached by ClinVar (database versions not stated): gnomAD 0.00001 and 0.00002; ExAC 0.00003; gnomAD exomes 0.00003 and 0.00004; TOPMed 0.00003.
gnomAD v4.1: 64 of 1,578,814 alleles (0.0041%); highest among the groups gnomAD compares: South Asian, 0.0056%; no homozygotes.

Submission:

Labcorp Genetics (formerly Invitae), Labcorp
Classification: Uncertain significance. Last evaluated: 2023-08-10. Review status: criteria provided, single submitter. Criteria: Invitae Variant Classification Sherloc (09022015). Collection method: clinical testing. Allele origin: germline.
Comment: In summary, the available evidence is currently insufficient to determine the role of this variant in disease. Therefore, it has been classified as a Variant of Uncertain Significance. An algorithm developed to predict the effect of missense changes on protein structure and function (PolyPhen-2) suggests that this variant¬†is likely to be tolerated. ClinVar contains an entry for this variant (Variation ID: 1447629). This variant has not been reported in the literature in individuals affected with CEP250-related conditions. This variant is present in population databases (rs781181484, gnomAD 0.006%). This sequence change replaces valine, which is neutral and non-polar, with isoleucine, which is neutral and non-polar, at codon 1213 of the CEP250 protein (p.Val1213Ile).